The following is an entry in ClinVar:

NM_004612.4(TGFBR1):c.480T>C (p.Asn160=)

Gene: TGFBR1 (transforming growth factor beta receptor 1; plus strand). Cytogenetic location: 9q22.33.
Variant type: single nucleotide variant.
Coding change: c.480T>C on transcript NM_004612.4 (MANE Select); coding-DNA position 480, T replaced by C.
Protein change: p.Asn160=; no amino-acid change (asparagine 160 retained).
Molecular consequence: synonymous variant. On other transcripts: intron variant (1).
Genome position (GRCh38, 1-based): chr9:99,132,645, T>C. VCF-style: chr9-99132645-T-C. GRCh37 (hg19) VCF-style: chr9-101894927-T-C.
Other names: c.492T>C, p.Asn164= (NM_001306210.2); c.343+3545T>C (NM_001130916.3); c.480T>C (NM_004612.2).
Identifiers: ClinVar variation 1644956 (VCV001644956.10), dbSNP rs1234201885, ClinGen allele CA466648186.

ClinVar aggregate classification (germline): Likely benign. Review status: criteria provided, multiple submitters, no conflicts (2 of 4 stars). 3 submissions from 3 submitters: Likely benign (3). Last evaluated 2024-07-20.

Conditions:
Loeys-Dietz syndrome (LDS). Identifiers: Orphanet 60030, MedGen C2697932, MONDO:0018954.
Familial thoracic aortic aneurysm and aortic dissection (TAAD). Also called: Thoracic aortic aneurysms and dissections. Identifiers: Orphanet 91387, MedGen C4707243, MONDO:0019625.

Allele frequency attached by ClinVar (database versions not stated): gnomAD 0.00001.
gnomAD v4.1: 2 of 1,614,050 alleles (0.00012%); no homozygotes.

Submissions (3):

All of Us Research Program, National Institutes of Health
Classification: Likely benign for Loeys-Dietz syndrome. Last evaluated: 2024-07-20. Review status: criteria provided, single submitter. Criteria: ACMG Guidelines, 2015. Collection method: clinical testing. Allele origin: germline. Inheritance: Autosomal dominant inheritance. Observed: 1 variant allele, 1 heterozygote.
Comment: This study involves interpretation of variants in research participants for the purpose of population health screening. Participant phenotype was not available at the time of variant classification. Additional details can be found in publication PMID: 35346344, PMCID: PMC8962531

Labcorp Genetics (formerly Invitae), Labcorp
Classification: Likely benign for Familial thoracic aortic aneurysm and aortic dissection. Last evaluated: 2023-05-22. Review status: criteria provided, single submitter. Criteria: Invitae Variant Classification Sherloc (09022015). Collection method: clinical testing. Allele origin: germline.

Ambry Genetics
Classification: Likely benign for Familial thoracic aortic aneurysm and aortic dissection. Last evaluated: 2021-03-05. Review status: criteria provided, single submitter. Criteria: Ambry Variant Classification Scheme 2023. Collection method: clinical testing. Allele origin: germline.